The following is an entry in ClinVar:

NM_014956.5(CEP164):c.1252C>T (p.Arg418Trp)

Gene: CEP164 (centrosomal protein 164; plus strand). Cytogenetic location: 11q23.3.
Variant type: single nucleotide variant.
Coding change: c.1252C>T on transcript NM_014956.5 (MANE Select); coding-DNA position 1252, C replaced by T.
Protein change: p.Arg418Trp; replaces arginine 418 with tryptophan.
Molecular consequence: missense variant.
Genome position (GRCh38, 1-based): chr11:117,375,726, C>T. VCF-style: chr11-117375726-C-T. GRCh37 (hg19) VCF-style: chr11-117246442-C-T.
Other names: c.1252C>T, p.Arg418Trp (NM_001271933.2); c.1252C>T (NM_014956.4); short protein forms R418W.
Identifiers: ClinVar variation 1003346 (VCV001003346.6), dbSNP rs575328059, ClinGen allele CA6294696.

ClinVar aggregate classification (germline): Uncertain significance. Review status: criteria provided, multiple submitters, no conflicts (2 of 4 stars). 3 submissions from 3 submitters: Uncertain significance (2). 1 of the submissions does not count toward it. Last evaluated 2022-07-24.

Conditions:
CEP164-related disorder. Also called: CEP164-related condition.
Nephronophthisis 15 (NPHP15). Identifiers: Orphanet 3156, MedGen C3541853, MONDO:0013917, OMIM 614845.

Allele frequency attached by ClinVar (database versions not stated): gnomAD 0.00001 and 0.00002; ExAC 0.00003; gnomAD exomes 0.00003 and 0.00005; TOPMed 0.00004; 1000 Genomes Project 30x 0.00016; 1000 Genomes Project 0.00020.
gnomAD v4.1: 50 of 1,614,094 alleles (0.0031%); highest among the groups gnomAD compares: East Asian, 0.02%; no homozygotes.

Submissions (3):

Labcorp Genetics (formerly Invitae), Labcorp
Classification: Uncertain significance for Nephronophthisis 15. Last evaluated: 2022-07-24. Review status: criteria provided, single submitter. Criteria: Invitae Variant Classification Sherloc (09022015). Collection method: clinical testing. Allele origin: germline.
Comment: This sequence change replaces arginine, which is basic and polar, with tryptophan, which is neutral and slightly polar, at codon 418 of the CEP164 protein (p.Arg418Trp). This variant is present in population databases (rs575328059, gnomAD 0.02%). This variant has not been reported in the literature in individuals affected with CEP164-related conditions. ClinVar contains an entry for this variant (Variation ID: 1003346). Algorithms developed to predict the effect of missense changes on protein structure and function are either unavailable or do not agree on the potential impact of this missense change (SIFT: "Deleterious"; PolyPhen-2: "Possibly Damaging"; Align-GVGD: "Class C0"). In summary, the available evidence is currently insufficient to determine the role of this variant in disease. Therefore, it has been classified as a Variant of Uncertain Significance.

Fulgent Genetics
Classification: Uncertain significance for Nephronophthisis 15. Last evaluated: 2021-12-05. Review status: criteria provided, single submitter. Criteria: ACMG Guidelines, 2015. Collection method: clinical testing. Allele origin: unknown.

PreventionGenetics, part of Exact Sciences
Classification: Uncertain significance for CEP164-related condition. Last evaluated: 2024-08-23. Review status: no assertion criteria provided. Collection method: clinical testing. Allele origin: germline. Not counted in ClinVar's aggregate classification.
Comment: The CEP164 c.1252C>T variant is predicted to result in the amino acid substitution p.Arg418Trp. To our knowledge, this variant has not been reported in the literature. This variant is reported in 0.030% of alleles in individuals of East Asian descent in gnomAD. At this time, the clinical significance of this variant is uncertain due to the absence of conclusive functional and genetic evidence.